The following is an entry in ClinVar:

ClinVar aggregate classification (germline): Uncertain significance. Review status: criteria provided, multiple submitters, no conflicts (2 of 4 stars). 2 submissions from 2 submitters: Uncertain significance (2). Last evaluated 2025-06-29.

Conditions:
Inborn genetic diseases. Identifiers: MedGen C0950123, MeSH D030342.

Allele frequency attached by ClinVar (database versions not stated): TOPMed below 0.00001; gnomAD 0.00001; gnomAD exomes 0.00001 and 0.00004.
gnomAD v4.1: 7 of 1,552,136 alleles (0.00045%); highest among the groups gnomAD compares: Admixed American, 0.012%; no homozygotes.

Submissions (2):

Ambry Genetics
Classification: Uncertain significance for Inborn genetic diseases. Last evaluated: 2025-06-29. Review status: criteria provided, single submitter. Criteria: Ambry Variant Classification Scheme 2023. Collection method: clinical testing. Allele origin: germline.

Labcorp Genetics (formerly Invitae), Labcorp
Classification: Uncertain significance. Last evaluated: 2024-10-24. Review status: criteria provided, single submitter. Criteria: Invitae Variant Classification Sherloc (09022015). Collection method: clinical testing. Allele origin: germline.
Comment: This sequence change replaces aspartic acid, which is acidic and polar, with asparagine, which is neutral and polar, at codon 727 of the SLC9A3 protein (p.Asp727Asn). This variant is present in population databases (no rsID available, gnomAD 0.02%). This variant has not been reported in the literature in individuals affected with SLC9A3-related conditions. ClinVar contains an entry for this variant (Variation ID: 1461130). An algorithm developed to predict the effect of missense changes on protein structure and function (PolyPhen-2) suggests that this variant is likely to be tolerated. In summary, the available evidence is currently insufficient to determine the role of this variant in disease. Therefore, it has been classified as a Variant of Uncertain Significance.

NM_004174.4(SLC9A3):c.2179G>A (p.Asp727Asn)

Genes: SLC9A3 (solute carrier family 9 member A3), SLC9A3-AS1 (SLC9A3 antisense RNA 1; plus strand). Cytogenetic location: 5p15.33.
Variant type: single nucleotide variant.
Coding change: c.2179G>A on transcript NM_004174.4 (MANE Select); coding-DNA position 2179, G replaced by A.
Protein change: p.Asp727Asn; replaces aspartic acid 727 with asparagine.
Molecular consequence: missense variant.
Genome position (GRCh38, 1-based): chr5:475,633, C>T on the plus strand (G>A on the coding strand, the complement: SLC9A3 is on the minus strand). VCF-style: chr5-475633-C-T. GRCh37 (hg19) VCF-style: chr5-475748-C-T.
Other names: c.2152G>A, p.Asp718Asn (NM_001284351.3); c.2179G>A (NM_004174.2); short protein forms D718N, D727N.
Identifiers: ClinVar variation 1461130 (VCV001461130.7), dbSNP rs1325840731, ClinGen allele CA359024087.
Genomic context (GRCh38, chr5:475,633, plus strand): 5'-CGGACGCTGTGTCCTTGGTGACACTAGCCAGGAACTCGATCCCCCCACTCATCTCCTCAT[C>T]ATAGTTGGGGGGCTCCTCGGTGTCTGAAAGTTCCAAGTCTGGGGAAGACAGGTTGGGGTG-3'
Protein context (NP_004165.2, residues 717-737): LSDTEEPPNY[Asp727Asn]EEMSGGIEFL